The following is an entry in ClinVar:

ClinVar aggregate classification (germline): Uncertain significance (1 of 4 stars; one submission).

Submission:

GeneDx
Classification: Uncertain significance. Last evaluated: 2022-08-12. Review status: criteria provided, single submitter. Criteria: GeneDx Variant Classification Process June 2021. Collection method: clinical testing. Allele origin: germline. Affected: yes.
Comment: Not observed at significant frequency in large population cohorts (gnomAD); In-frame insertion of 2 amino acids in a non-repeat region; In silico analysis supports that this variant does not alter protein structure/function; Has not been previously published as pathogenic or benign to our knowledge

NM_000168.6(GLI3):c.2798_2803dup (p.Ala934_Ala935insAspAla)

Gene: GLI3 (GLI family zinc finger 3; minus strand). Cytogenetic location: 7p14.1.
Variant type: Duplication.
Coding change: c.2798_2803dup on transcript NM_000168.6 (MANE Select); coding-DNA positions 2798 to 2803, 6 bases duplicated (ACGCGG; older notation c.2798_2803dupACGCGG).
Protein change: p.Ala934_Ala935insAspAla.
Molecular consequence: inframe insertion.
Genome position (GRCh38, 1-based): chr7:41,966,270-41,966,275, CCGCGT duplicated on the plus strand (ACGCGG on the coding strand, the reverse complement: GLI3 is on the minus strand). VCF-style (leftmost placement, unchanged base first): chr7-41966269-G-GCCGCGT. GRCh37 (hg19) VCF-style: chr7-42005867-G-GCCGCGT.
Identifiers: ClinVar variation 2429657 (VCV002429657.1), dbSNP rs2484378918, ClinGen allele CA2580077126.